The following is an entry in ClinVar:

ClinVar aggregate classification (germline): Uncertain significance (1 of 4 stars; one submission).

Conditions:
Brachyolmia-amelogenesis imperfecta syndrome. Also called: Tooth agenesis, selective, 6; Dental anomalies and short stature; PLATYSPONDYLY WITH AMELOGENESIS IMPERFECTA. Identifiers: Orphanet 2899, MedGen C1832594, MONDO:0011018, OMIM 601216. Disease mechanism: loss of function.
Geleophysic dysplasia 3. Identifiers: MedGen C4540511, MONDO:0054722, OMIM 617809.

Submission:

Juno Genomics, Hangzhou Juno Genomics, Inc
Classification: Uncertain significance for Brachyolmia-amelogenesis imperfecta syndrome; Geleophysic dysplasia 3. Review status: criteria provided, single submitter. Criteria: ACMG Guidelines, 2015. Collection method: clinical testing. Allele origin: germline.
Comment: Absent from controls (or at extremely low frequency if recessive) in Genome Aggregation Database.;Null variant in a gene where loss of function (LOF) is a known mechanism of disease.

NM_001130144.3(LTBP3):c.2231-2A>T

Genes: LTBP3 (latent transforming growth factor beta binding protein 3; minus strand), LOC130006029 (ATAC-STARR-seq lymphoblastoid silent region 3532; plus strand). Cytogenetic location: 11q13.1.
Variant type: single nucleotide variant.
Coding change: c.2231-2A>T on transcript NM_001130144.3 (MANE Select); the canonical splice acceptor site of the intron before coding-DNA position 2231, A replaced by T.
Molecular consequence: splice acceptor variant.
Genome position (GRCh38, 1-based): chr11:65,546,566, T>A on the plus strand (A>T on the coding strand, the complement: LTBP3 is on the minus strand). VCF-style: chr11-65546566-T-A. GRCh37 (hg19) VCF-style: chr11-65314037-T-A.
Other names: c.1880-2A>T (NM_001164266.1); c.2231-2A>T (NM_021070.4).
Identifiers: ClinVar variation 5019333 (VCV005019333.2).